The following is an entry in ClinVar:

NM_001110556.2(FLNA):c.4294C>A (p.Gln1432Lys)

Gene: FLNA (filamin A; minus strand). Cytogenetic location: Xq28.
Variant type: single nucleotide variant.
Coding change: c.4294C>A on transcript NM_001110556.2 (MANE Select); coding-DNA position 4294, C replaced by A.
Protein change: p.Gln1432Lys; replaces glutamine 1432 with lysine.
Molecular consequence: missense variant.
Genome position (GRCh38, 1-based): chrX:154,359,255, G>T on the plus strand (C>A on the coding strand, the complement: FLNA is on the minus strand). VCF-style: chrX-154359255-G-T. GRCh37 (hg19) VCF-style: chrX-153587623-G-T.
Other names: c.4294C>A, p.Gln1432Lys (NM_001456.4); short protein forms Q1432K.
Identifiers: ClinVar variation 588853 (VCV000588853.14), dbSNP rs192337215, ClinGen allele CA10560559.

ClinVar aggregate classification (germline): Conflicting classifications of pathogenicity. Review status: criteria provided, conflicting classifications (1 of 4 stars). 3 submissions from 3 submitters: Uncertain significance (2); Likely benign (1). Last evaluated 2025-02-07.

Conditions:
Heterotopia, periventricular, X-linked dominant (PVNH1). Also called: PERIVENTRICULAR NODULAR HETEROTOPIA 4; HETEROTOPIA, PERIVENTRICULAR, 1; PERIVENTRICULAR NODULAR HETEROTOPIA 1; X-linked periventricular heterotopia. Identifiers: Orphanet 2149, Orphanet 82004, MedGen C1848213, MONDO:0010233, OMIM 300049.
Melnick-Needles syndrome (MNS). Also called: Melnick-Needles Syndrome (FLNA-MNS); MELNICK-NEEDLES OSTEODYSPLASTY; OSTEODYSPLASTY OF MELNICK AND NEEDLES. Identifiers: Orphanet 2484, MedGen C0025237, MONDO:0010650, OMIM 309350.
Frontometaphyseal dysplasia (FMD1). Identifiers: Orphanet 1826, MedGen C0265293, MONDO:0015942.
Oto-palato-digital syndrome, type II (OPD2). Also called: Otopalatodigital Syndrome Type 2 (FLNA-OPD2); Otopalatodigital Syndrome, Type II; FACIOPALATOOSSEOUS SYNDROME; OPD II SYNDROME. Identifiers: Orphanet 669, Orphanet 90652, MedGen C1844696, MONDO:0010571, OMIM 304120.
Familial thoracic aortic aneurysm and aortic dissection (TAAD). Also called: Thoracic aortic aneurysms and dissections. Identifiers: Orphanet 91387, MedGen C4707243, MONDO:0019625.

Allele frequency attached by ClinVar (database versions not stated): gnomAD exomes below 0.00001 and 0.00001; TOPMed below 0.00001; ExAC 0.00001; gnomAD 0.00001 and 0.00002; 1000 Genomes Project 30x 0.00021; 1000 Genomes Project 0.00026.
gnomAD v4.1: 3 of 1,210,255 alleles (0.00025%); highest among the groups gnomAD compares: Admixed American, 0.0065%; no homozygotes.

Submissions (3):

Labcorp Genetics (formerly Invitae), Labcorp
Classification: Likely benign for Oto-palato-digital syndrome, type II; Heterotopia, periventricular, X-linked dominant; Frontometaphyseal dysplasia; Melnick-Needles syndrome. Last evaluated: 2025-02-07. Review status: criteria provided, single submitter. Criteria: Invitae Variant Classification Sherloc (09022015). Collection method: clinical testing. Allele origin: germline.

GeneDx
Classification: Uncertain significance. Last evaluated: 2024-12-30. Review status: criteria provided, single submitter. Criteria: GeneDx Variant Classification Process June 2021. Collection method: clinical testing. Allele origin: germline. Affected: yes.
Comment: Not observed at significant frequency in large population cohorts (gnomAD); In silico analysis indicates that this missense variant does not alter protein structure/function; Has not been previously published as pathogenic or benign to our knowledge

Ambry Genetics
Classification: Uncertain significance for Familial thoracic aortic aneurysm and aortic dissection. Last evaluated: 2022-01-28. Review status: criteria provided, single submitter. Criteria: Ambry Variant Classification Scheme 2023. Collection method: clinical testing. Allele origin: germline.